The following is an entry in ClinVar:

ClinVar aggregate classification (germline): Uncertain significance (1 of 4 stars; one submission).

Conditions:
Myofibrillar myopathy 4. Also called: Zaspopathy (type). Identifiers: Orphanet 98912, MedGen C4721886, MONDO:0012277, OMIM 609452.

Submission:

Labcorp Genetics (formerly Invitae), Labcorp
Classification: Uncertain significance for Myofibrillar myopathy 4. Last evaluated: 2025-09-24. Review status: criteria provided, single submitter. Criteria: Invitae Variant Classification Sherloc (09022015). Collection method: clinical testing. Allele origin: germline.
Comment: The LDB3 gene has multiple clinically relevant transcripts. This variant occurs in alternate transcript NM_007078.3, and corresponds to NM_001080116.1:c.*17390G>A in the primary transcript. This sequence change replaces valine, which is neutral and non-polar, with isoleucine, which is neutral and non-polar, at codon 557 of the LDB3 protein (p.Val557Ile). This variant is not present in population databases (gnomAD no frequency). This variant has not been reported in the literature in individuals affected with LDB3-related conditions. Experimental studies and prediction algorithms are not available or were not evaluated, and the functional significance of this variant is currently unknown. In summary, the available evidence is currently insufficient to determine the role of this variant in disease. Therefore, it has been classified as a Variant of Uncertain Significance.

NM_007078.3(LDB3):c.1669G>A (p.Val557Ile)

Gene: LDB3 (LIM domain binding 3; plus strand). Cytogenetic location: 10q23.2.
Variant type: single nucleotide variant.
Coding change: c.1669G>A on transcript NM_007078.3 (MANE Select); coding-DNA position 1669, G replaced by A.
Protein change: p.Val557Ile; replaces valine 557 with isoleucine.
Molecular consequence: missense variant.
Genome position (GRCh38, 1-based): chr10:86,716,764, G>A. VCF-style: chr10-86716764-G-A. GRCh37 (hg19) VCF-style: chr10-88476521-G-A.
Other names: c.1339G>A, p.Val447Ile (NM_001080114.2); c.1684G>A, p.Val562Ile (NM_001171610.2); c.1480G>A, p.Val494Ile (NM_001368064.1, NM_001368065.1); c.1528G>A, p.Val510Ile (NM_001368066.1); short protein forms V557I, V562I, V494I, V510I, V447I.
Identifiers: ClinVar variation 4711252 (VCV004711252.1).